The following is an entry in ClinVar:

ClinVar aggregate classification (germline): Uncertain significance (1 of 4 stars; one submission).

Conditions:
Autosomal dominant spastic paraplegia type 9. Identifiers: MedGen C1832669, MONDO:0015091.
de Barsy syndrome. Also called: Cutis laxa-corneal clouding-oligophrenia syndrome. Identifiers: Orphanet 2962, MedGen C0268354, MONDO:0017569.
Cutis laxa, autosomal dominant 3 (ADCL3). Identifiers: Orphanet 90348, MedGen C4225268, MONDO:0014706, OMIM 616603.

Allele frequency attached by ClinVar (database versions not stated): gnomAD exomes below 0.00001.
gnomAD v4.1: 3 of 1,614,092 alleles (0.00019%); highest among the groups gnomAD compares: African/African-American, 0.0027%; no homozygotes.

Submission:

Labcorp Genetics (formerly Invitae), Labcorp
Classification: Uncertain significance for Autosomal dominant spastic paraplegia type 9; de Barsy syndrome; Cutis laxa, autosomal dominant 3. Last evaluated: 2024-03-11. Review status: criteria provided, single submitter. Criteria: Invitae Variant Classification Sherloc (09022015). Collection method: clinical testing. Allele origin: germline.
Comment: This sequence change replaces alanine, which is neutral and non-polar, with threonine, which is neutral and polar, at codon 717 of the ALDH18A1 protein (p.Ala717Thr). This variant is not present in population databases (gnomAD no frequency). This variant has not been reported in the literature in individuals affected with ALDH18A1-related conditions. ClinVar contains an entry for this variant (Variation ID: 1977643). Advanced modeling of protein sequence and biophysical properties (such as structural, functional, and spatial information, amino acid conservation, physicochemical variation, residue mobility, and thermodynamic stability) performed at Invitae indicates that this missense variant is expected to disrupt ALDH18A1 protein function with a positive predictive value of 80%. In summary, the available evidence is currently insufficient to determine the role of this variant in disease. Therefore, it has been classified as a Variant of Uncertain Significance.

NM_002860.4(ALDH18A1):c.2149G>A (p.Ala717Thr)

Gene: ALDH18A1 (aldehyde dehydrogenase 18 family member A1; minus strand). Cytogenetic location: 10q24.1.
Variant type: single nucleotide variant.
Coding change: c.2149G>A on transcript NM_002860.4 (MANE Select); coding-DNA position 2149, G replaced by A.
Protein change: p.Ala717Thr; replaces alanine 717 with threonine.
Molecular consequence: missense variant.
Genome position (GRCh38, 1-based): chr10:95,610,254, C>T on the plus strand (G>A on the coding strand, the complement: ALDH18A1 is on the minus strand). VCF-style: chr10-95610254-C-T. GRCh37 (hg19) VCF-style: chr10-97370011-C-T.
Other names: c.2143G>A, p.Ala715Thr (NM_001017423.2, NM_001323415.2); c.1816G>A, p.Ala606Thr (NM_001323412.2, NM_001323416.2); c.2149G>A, p.Ala717Thr (NM_001323413.2, NM_001323414.2); c.2044G>A, p.Ala682Thr (NM_001323417.2); c.1810G>A, p.Ala604Thr (NM_001323418.2); c.1513G>A, p.Ala505Thr (NM_001323419.2); short protein forms A505T, A606T, A717T, A604T, A682T, A715T.
Identifiers: ClinVar variation 1977643 (VCV001977643.5), dbSNP rs2097831296, ClinGen allele CA377699680.
Genomic context (GRCh38, chr10:95,610,254, plus strand): 5'-TACCCAGTCCAAAGCGGTAACCATCAGAAAAGCGAGTGCTGGCATTCCAGAACACACAGG[C>T]ACTGTCTACGTGCTGCAGGAAGAACTCCGCTGTGTTTTCTGCAGGGTGAAGAAGGAGAAA-3'
Protein context (NP_002851.2, residues 707-727): AEFFLQHVDS[Ala717Thr]CVFWNASTRF